The following is an entry in ClinVar:

NM_004006.3(DMD):c.8859dup (p.Glu2954Ter)

Gene: DMD (dystrophin; minus strand). Cytogenetic location: Xp21.2.
Variant type: Duplication.
Coding change: c.8859dup on transcript NM_004006.3 (MANE Select); coding-DNA position 8859, one base duplicated (T; older notation c.8859dupT).
Protein change: p.Glu2954Ter; replaces glutamic acid 2954 with a stop codon.
Molecular consequence: nonsense.
Genome position (GRCh38, 1-based): chrX:31,478,184, A duplicated on the plus strand (T on the coding strand, the reverse complement: DMD is on the minus strand). VCF-style (leftmost placement, unchanged base first): chrX-31478183-C-CA. GRCh37 (hg19) VCF-style: chrX-31496300-C-CA.
Other names: c.8835dup, p.Glu2946Ter (NM_000109.4); c.8847dup, p.Glu2950Ter (NM_004009.3); c.8490dup, p.Glu2831Ter (NM_004010.3); c.4836dup, p.Glu1613Ter (NM_004011.4); c.4827dup, p.Glu1610Ter (NM_004012.4); c.1479dup, p.Glu494Ter (NM_004013.3, NM_004020.4, NM_004021.3 and 2 more transcripts); c.672dup, p.Glu225Ter (NM_004014.3); short protein forms E2946*, E1610*, E2950*, E2954*, E1613*, E225*, E2831*, E494*.
Identifiers: ClinVar variation 2127414 (VCV002127414.4), dbSNP rs2525294536, ClinGen allele CA2580100578.

ClinVar aggregate classification (germline): Pathogenic (1 of 4 stars; one submission).

Conditions:
Duchenne muscular dystrophy (DMD). Also called: MUSCULAR DYSTROPHY, PSEUDOHYPERTROPHIC PROGRESSIVE, DUCHENNE TYPE; Duchenne Muscular Dystrophy (DMD). Identifiers: Orphanet 98896, MedGen C0013264, MONDO:0010679, OMIM 310200.

Submission:

Labcorp Genetics (formerly Invitae), Labcorp
Classification: Pathogenic for Duchenne muscular dystrophy. Last evaluated: 2022-07-14. Review status: criteria provided, single submitter. Criteria: Invitae Variant Classification Sherloc (09022015). Collection method: clinical testing. Allele origin: germline.
Comment: This variant has not been reported in the literature in individuals affected with DMD-related conditions. For these reasons, this variant has been classified as Pathogenic. This variant is not present in population databases (gnomAD no frequency). This sequence change creates a premature translational stop signal (p.Glu2954*) in the DMD gene. It is expected to result in an absent or disrupted protein product. Loss-of-function variants in DMD are known to be pathogenic (PMID: 16770791, 25007885).

Literature cited by the submitters: PubMed 16770791; PubMed 25007885.